The following is an entry in ClinVar:

ClinVar aggregate classification (germline): Uncertain significance (1 of 4 stars; one submission).

Conditions:
Cardiovascular phenotype. Identifiers: MedGen CN230736.

gnomAD v4.1: 1 of 1,612,492 alleles (0.000062%); highest among the groups gnomAD compares: East Asian, 0.0022%; no homozygotes.

Submission:

Ambry Genetics
Classification: Uncertain significance for Cardiovascular phenotype. Last evaluated: 2024-12-14. Review status: criteria provided, single submitter. Criteria: Ambry Variant Classification Scheme 2023. Collection method: clinical testing. Allele origin: germline.
Comment: The p.T1935P variant (also known as c.5803A>C), located in coding exon 15 of the TNXB gene, results from an A to C substitution at nucleotide position 5803. The threonine at codon 1935 is replaced by proline, an amino acid with highly similar properties. This amino acid position is conserved. In addition, this alteration is predicted to be tolerated by in silico analysis. Based on the available evidence, the clinical significance of this variant remains unclear.

NM_001365276.2(TNXB):c.5803A>C (p.Thr1935Pro)

Gene: TNXB (tenascin XB; minus strand). Cytogenetic location: 6p21.33.
Variant type: single nucleotide variant.
Coding change: c.5803A>C on transcript NM_001365276.2 (MANE Select); coding-DNA position 5803, A replaced by C.
Protein change: p.Thr1935Pro; replaces threonine 1935 with proline.
Molecular consequence: missense variant.
Genome position (GRCh38, 1-based): chr6:32,068,921, T>G on the plus strand (A>C on the coding strand, the complement: TNXB is on the minus strand). VCF-style: chr6-32068921-T-G. GRCh37 (hg19) VCF-style: chr6-32036698-T-G.
Other names: c.6544A>C, p.Thr2182Pro (NM_001428335.1); c.5803A>C, p.Thr1935Pro (NM_019105.8); short protein forms T2182P, T1935P.
Identifiers: ClinVar variation 3809313 (VCV003809313.1).